The following is an entry in ClinVar:

ClinVar aggregate classification (germline): Conflicting classifications of pathogenicity. Review status: criteria provided, conflicting classifications (1 of 4 stars). 9 submissions from 9 submitters: Uncertain significance (4); Likely benign (5). Last evaluated 2026-06-01.

Conditions:
SH3TC2-related disorder. Also called: SH3TC2-related condition; SH3TC2-related disorders. Identifiers: MedGen CN239303.
Charcot-Marie-Tooth disease. Also called: Charcot-Marie-Tooth Neuropathy; Charcot-Marie-Tooth Hereditary Neuropathy. Identifiers: Orphanet 166, MedGen C0007959, MONDO:0015626.
Inborn genetic diseases. Identifiers: MedGen C0950123, MeSH D030342.
Charcot-Marie-Tooth disease type 4. Also called: Charcot-Marie-Tooth, Type 4; Charcot-Marie-Tooth disease, type IV. Identifiers: Orphanet 64749, MedGen C4082197, MONDO:0018995.
Charcot-Marie-Tooth disease type 4C (CMT4C). Also called: CHARCOT-MARIE-TOOTH DISEASE, DEMYELINATING, AUTOSOMAL RECESSIVE, TYPE 4C; CMT 4C; Charcot-Marie-Tooth Neuropathy Type 4C (CMT4C); CHARCOT-MARIE-TOOTH DISEASE, DEMYELINATING, TYPE 4C; SH3TC2-Related Hereditary Motor and Sensory Neuropathy. Identifiers: Orphanet 99949, MedGen C1866636, MONDO:0011113, OMIM 601596.

Allele frequency attached by ClinVar (database versions not stated): ESP Exome Variant Server 0.00023; gnomAD exomes 0.00024 and 0.00036; ExAC 0.00036; gnomAD 0.00047 and 0.00048; TOPMed 0.00085; 1000 Genomes Project 30x 0.00094; 1000 Genomes Project 0.00100.
gnomAD v4.1: 453 of 1,614,184 alleles (0.028%); highest among the groups gnomAD compares: Middle Eastern, 0.53%; 2 homozygotes.

Submissions (9):

CeGaT Center for Human Genetics Tuebingen
Classification: Likely benign. Last evaluated: 2026-06-01. Review status: criteria provided, single submitter. Criteria: CeGaT Center For Human Genetics Tuebingen Variant Classification Criteria Version 2. Collection method: clinical testing. Allele origin: germline. Affected: yes. Observed: 4 variant alleles.
Comment: SH3TC2: BP4

Labcorp Genetics (formerly Invitae), Labcorp
Classification: Likely benign for Charcot-Marie-Tooth disease type 4. Last evaluated: 2025-12-15. Review status: criteria provided, single submitter. Criteria: Invitae Variant Classification Sherloc (09022015). Collection method: clinical testing. Allele origin: germline.

PreventionGenetics, part of Exact Sciences
Classification: Likely benign for SH3TC2-related condition. Last evaluated: 2025-03-17. Review status: criteria provided, single submitter. Criteria: ACMG Guidelines, 2015. Collection method: clinical testing. Allele origin: germline.
Comment: This variant is classified as likely benign based on ACMG/AMP sequence variant interpretation guidelines (Richards et al. 2015 PMID: 25741868, with internal and published modifications).

Blueprint Genetics
Classification: Uncertain significance. Last evaluated: 2024-11-08. Review status: criteria provided, single submitter. Criteria: ACMG Guidelines, 2015. Collection method: clinical testing. Allele origin: germline.

Molecular Genetics Laboratory, London Health Sciences Centre
Classification: Likely benign for Charcot-Marie-Tooth disease. Last evaluated: 2024-10-15. Review status: criteria provided, single submitter. Criteria: ACMG Guidelines, 2015. Collection method: clinical testing. Allele origin: germline. Inheritance: Autosomal recessive inheritance. Affected: yes.

Athena Diagnostics
Classification: Uncertain significance. Last evaluated: 2023-11-28. Review status: criteria provided, single submitter. Criteria: Athena Diagnostics Criteria. Collection method: clinical testing. Allele origin: unknown.
Comment: Available data are insufficient to determine the clinical significance of the variant at this time. The frequency of this variant in the general population is uninformative in assessment of its pathogenicity. Computational tools disagree on the variant's effect on normal protein function.

Ambry Genetics
Classification: Uncertain significance for Inborn genetic diseases. Last evaluated: 2021-10-05. Review status: criteria provided, single submitter. Criteria: Ambry Variant Classification Scheme 2023. Collection method: clinical testing. Allele origin: germline.
Comment: The p.R997Q variant (also known as c.2990G>A), located in coding exon 12 of the SH3TC2 gene, results from a G to A substitution at nucleotide position 2990. The arginine at codon 997 is replaced by glutamine, an amino acid with highly similar properties. This amino acid position is not well conserved in available vertebrate species. In addition, this alteration is predicted to be tolerated by in silico analysis. Since supporting evidence is limited at this time, the clinical significance of this alteration remains unclear.

GeneDx
Classification: Likely benign. Last evaluated: 2021-02-12. Review status: criteria provided, single submitter. Criteria: GeneDx Variant Classification Process June 2021. Collection method: clinical testing. Allele origin: germline. Affected: yes.
Comment: This variant is associated with the following publications: (PMID: 32376792)

Baylor Genetics
Classification: Uncertain significance for Charcot-Marie-Tooth disease type 4C. Last evaluated: 2020-02-21. Review status: criteria provided, single submitter. Criteria: ACMG Guidelines, 2015. Collection method: clinical testing. Allele origin: unknown. Affected: yes.
Comment: This variant was determined to be of uncertain significance according to ACMG Guidelines, 2015 [PMID:25741868].

Literature cited by the submitters: PubMed 32376792 (cited by Athena Diagnostics); PubMed 29590070 (cited by Athena Diagnostics).

NM_024577.4(SH3TC2):c.2990G>A (p.Arg997Gln)

Gene: SH3TC2 (SH3 domain and tetratricopeptide repeats 2; minus strand). Cytogenetic location: 5q32.
Variant type: single nucleotide variant.
Coding change: c.2990G>A on transcript NM_024577.4 (MANE Select); coding-DNA position 2990, G replaced by A.
Protein change: p.Arg997Gln; replaces arginine 997 with glutamine.
Molecular consequence: missense variant.
Genome position (GRCh38, 1-based): chr5:149,026,635, C>T on the plus strand (G>A on the coding strand, the complement: SH3TC2 is on the minus strand). VCF-style: chr5-149026635-C-T. GRCh37 (hg19) VCF-style: chr5-148406198-C-T.
Other names: short protein forms R997Q.
Identifiers: ClinVar variation 241504 (VCV000241504.45), dbSNP rs140307699, ClinGen allele CA3498881.
Genomic context (GRCh38, chr5:149,026,635, plus strand): 5'-GCGGTATTTAGGTTCCGATAAAGCTGCCCCAGGGACTCCAGCAGCCTCCCTTCCATCTCC[C>T]GGTCCCTGAGTTGCTGAGCCAGGGCCAGCCAGTGCTCATGGTAGGTGATGCATGCCTCAG-3'
Protein context (NP_078853.2, residues 987-1007): WLALAQQLRD[Arg997Gln]EMEGRLLESL